The following is an entry in ClinVar:

ClinVar aggregate classification (germline): Uncertain significance (1 of 4 stars; one submission).

Conditions:
Spastic paraplegia. Identifiers: MedGen C0037772, HP:0001258.

Allele frequency attached by ClinVar (database versions not stated): gnomAD 0.00001 and 0.00003; gnomAD exomes 0.00001 and 0.00008; TOPMed 0.00002; ExAC 0.00003; 1000 Genomes Project 30x 0.00047; 1000 Genomes Project 0.00060.
gnomAD v4.1: 120 of 1,604,498 alleles (0.0075%); highest among the groups gnomAD compares: Non-Finnish European, 0.01%; no homozygotes.

Submission:

Labcorp Genetics (formerly Invitae), Labcorp
Classification: Uncertain significance for Spastic paraplegia. Last evaluated: 2021-09-26. Review status: criteria provided, single submitter. Criteria: Invitae Variant Classification Sherloc (09022015). Collection method: clinical testing. Allele origin: germline.
Comment: This sequence change replaces glutamic acid with lysine at codon 412 of the CYP7B1 protein (p.Glu412Lys). The glutamic acid residue is moderately conserved and there is a small physicochemical difference between glutamic acid and lysine. This variant is present in population databases (rs116462183, ExAC 0.006%). This variant has not been reported in the literature in individuals affected with CYP7B1-related conditions. Algorithms developed to predict the effect of missense changes on protein structure and function output the following: SIFT: "Tolerated"; PolyPhen-2: "Possibly Damaging"; Align-GVGD: "Class C0". The lysine amino acid residue is found in multiple mammalian species, which suggests that this missense change does not adversely affect protein function. In summary, the available evidence is currently insufficient to determine the role of this variant in disease. Therefore, it has been classified as a Variant of Uncertain Significance.

NM_004820.5(CYP7B1):c.1234G>A (p.Glu412Lys)

Gene: CYP7B1 (cytochrome P450 family 7 subfamily B member 1; minus strand). Cytogenetic location: 8q12.3.
Variant type: single nucleotide variant.
Coding change: c.1234G>A on transcript NM_004820.5 (MANE Select); coding-DNA position 1234, G replaced by A.
Protein change: p.Glu412Lys; replaces glutamic acid 412 with lysine.
Molecular consequence: missense variant. On other transcripts: intron variant (1).
Genome position (GRCh38, 1-based): chr8:64,596,929, C>T on the plus strand (G>A on the coding strand, the complement: CYP7B1 is on the minus strand). VCF-style: chr8-64596929-C-T. GRCh37 (hg19) VCF-style: chr8-65509486-C-T.
Other names: c.1234-7085G>A (NM_001324112.2); short protein forms E412K.
Identifiers: ClinVar variation 1430929 (VCV001430929.3), dbSNP rs116462183, ClinGen allele CA4764007.